The following is an entry in ClinVar:

NM_005228.5(EGFR):c.3116G>T (p.Ser1039Ile)

Gene: EGFR (epidermal growth factor receptor; plus strand). Cytogenetic location: 7p11.2.
Variant type: single nucleotide variant.
Coding change: c.3116G>T on transcript NM_005228.5 (MANE Select); coding-DNA position 3116, G replaced by T.
Protein change: p.Ser1039Ile; replaces serine 1039 with isoleucine.
Molecular consequence: missense variant.
Genome position (GRCh38, 1-based): chr7:55,201,736, G>T. VCF-style: chr7-55201736-G-T. GRCh37 (hg19) VCF-style: chr7-55269429-G-T.
Other names: c.2981G>T, p.Ser994Ile (NM_001346897.2, NM_001346899.2); c.3116G>T, p.Ser1039Ile (NM_001346898.2); c.2957G>T, p.Ser986Ile (NM_001346900.2); c.2315G>T, p.Ser772Ile (NM_001346941.2); short protein forms S772I, S986I, S1039I, S994I.
Identifiers: ClinVar variation 4639468 (VCV004639468.1).

ClinVar aggregate classification (germline): Uncertain significance (1 of 4 stars; one submission).

Conditions:
Hereditary cancer-predisposing syndrome. Also called: Neoplastic Syndromes, Hereditary; Tumor predisposition; Hereditary Cancer Syndrome; Hereditary neoplastic syndrome. Identifiers: Orphanet 140162, MedGen C0027672, MeSH D009386, MONDO:0015356.

Submission:

Ambry Genetics
Classification: Uncertain significance for Hereditary cancer-predisposing syndrome. Last evaluated: 2025-11-09. Review status: criteria provided, single submitter. Criteria: Ambry Variant Classification Scheme 2023. Collection method: clinical testing. Allele origin: germline.
Comment: The p.S1039I variant (also known as c.3116G>T), located in coding exon 26 of the EGFR gene, results from a G to T substitution at nucleotide position 3116. The serine at codon 1039 is replaced by isoleucine, an amino acid with dissimilar properties. This amino acid position is conserved. In addition, the in silico prediction for this alteration is inconclusive. Based on the available evidence, the clinical significance of this variant remains unclear.